The following is an entry in ClinVar:

ClinVar aggregate classification (germline): Likely benign. Review status: criteria provided, multiple submitters, no conflicts (2 of 4 stars). 2 submissions from 2 submitters: Likely benign (2). Last evaluated 2026-01-18.

Conditions:
Brody myopathy. Also called: BRODY DISEASE. Identifiers: Orphanet 53347, MedGen C1832918, MONDO:0010977, OMIM 601003.

Submissions (2):

Labcorp Genetics (formerly Invitae), Labcorp
Classification: Likely benign for Brody myopathy. Last evaluated: 2026-01-18. Review status: criteria provided, single submitter. Criteria: Invitae Variant Classification Sherloc (09022015). Collection method: clinical testing. Allele origin: germline.

GeneDx
Classification: Likely benign. Last evaluated: 2023-02-10. Review status: criteria provided, single submitter. Criteria: GeneDx Variant Classification Process June 2021. Collection method: clinical testing. Allele origin: germline. Affected: yes.
Comment: See Variant Classification Assertion Criteria.

NM_004320.6(ATP2A1):c.119-15_119-13del

Genes: ATP2A1 (ATPase sarcoplasmic/endoplasmic reticulum Ca2+ transporting 1; plus strand), ATP2A1-AS1 (ATP2A1 antisense RNA 1; minus strand). Cytogenetic location: 16p11.2.
Variant type: Microsatellite.
Coding change: c.119-15_119-13del on transcript NM_004320.6 (MANE Select); 15 bases into the intron before coding-DNA position 119 through 13 bases into the intron before coding-DNA position 119, 3 bases deleted (CTT; older notation c.119-15_119-13delCTT).
Molecular consequence: intron variant. On other transcripts: non-coding transcript variant (4).
Genome position (GRCh38, 1-based): chr16:28,879,084-28,879,086, CTT deleted; deleting any 3 consecutive bases within chr16:28,879,079-28,879,086 gives the same sequence; the c. name uses the placement nearest the transcript's 3' end. VCF-style (leftmost placement, unchanged base first): chr16-28879078-TTTC-T. GRCh37 (hg19) VCF-style: chr16-28890399-TTTC-T.
Other names: c.119-15_119-13del (NM_173201.5).
Identifiers: ClinVar variation 1939229 (VCV001939229.6), dbSNP rs760761542, ClinGen allele CA7986516.